The following is an entry in ClinVar:

NM_002693.3(POLG):c.3152G>A (p.Gly1051Glu)

Gene: POLG (DNA polymerase gamma, catalytic subunit; minus strand). Cytogenetic location: 15q26.1.
Variant type: single nucleotide variant.
Coding change: c.3152G>A on transcript NM_002693.3 (MANE Select); coding-DNA position 3152, G replaced by A.
Protein change: p.Gly1051Glu; replaces glycine 1051 with glutamic acid.
Molecular consequence: missense variant.
Genome position (GRCh38, 1-based): chr15:89,319,052, C>T on the plus strand (G>A on the coding strand, the complement: POLG is on the minus strand). VCF-style: chr15-89319052-C-T. GRCh37 (hg19) VCF-style: chr15-89862283-C-T.
Other names: c.3152G>A, p.Gly1051Glu (NM_001126131.2); short protein forms G1051E.
Identifiers: ClinVar variation 966008 (VCV000966008.10), dbSNP rs775248939, ClinGen allele CA393750991.

ClinVar aggregate classification (germline): Likely pathogenic (1 of 4 stars; one submission).

Conditions:
Progressive sclerosing poliodystrophy (MTDPS4A). Also called: ALPERS PROGRESSIVE INFANTILE POLIODYSTROPHY; Mitochondrial DNA depletion syndrome 4A (Alpers type); ALPERS DIFFUSE DEGENERATION OF CEREBRAL GRAY MATTER WITH HEPATIC CIRRHOSIS; Alpers-Huttenlocher Syndrome; Alpers-Huttenlocher Syndrome (AHS); Alpers Syndrome. Identifiers: Orphanet 726, MedGen C0205710, MONDO:0008758, OMIM 203700.

Allele frequency attached by ClinVar (database versions not stated): TOPMed below 0.00001.

Submission:

Labcorp Genetics (formerly Invitae), Labcorp
Classification: Likely pathogenic for Progressive sclerosing poliodystrophy. Last evaluated: 2023-07-31. Review status: criteria provided, single submitter. Criteria: Invitae Variant Classification Sherloc (09022015). Collection method: clinical testing. Allele origin: germline.
Comment: This sequence change replaces glycine, which is neutral and non-polar, with glutamic acid, which is acidic and polar, at codon 1051 of the POLG protein (p.Gly1051Glu). This variant is not present in population databases (gnomAD no frequency). This variant has not been reported in the literature in individuals affected with POLG-related conditions. ClinVar contains an entry for this variant (Variation ID: 966008). Advanced modeling of protein sequence and biophysical properties (such as structural, functional, and spatial information, amino acid conservation, physicochemical variation, residue mobility, and thermodynamic stability) performed at Invitae indicates that this missense variant is expected to disrupt POLG protein function. This variant disrupts the p.Gly1051 amino acid residue in POLG. Other variant(s) that disrupt this residue have been determined to be pathogenic (PMID: 14745080, 28130605, 30818899). This suggests that this residue is clinically significant, and that variants that disrupt this residue are likely to be disease-causing. In summary, the currently available evidence indicates that the variant is pathogenic, but additional data are needed to prove that conclusively. Therefore, this variant has been classified as Likely Pathogenic.

Literature cited by the submitters: PubMed 14745080; PubMed 28130605; PubMed 30818899.